The following is an entry in ClinVar:

ClinVar aggregate classification (germline): Uncertain significance. Review status: criteria provided, multiple submitters, no conflicts (2 of 4 stars). 3 submissions from 3 submitters: Uncertain significance (3). Last evaluated 2026-08-11.

Conditions:
NOTCH2-related disorder. Also called: NOTCH2-related condition.
Hajdu-Cheney syndrome (HJCYS). Also called: SERPENTINE FIBULA-POLYCYSTIC KIDNEY SYNDROME; ACROOSTEOLYSIS WITH OSTEOPOROSIS AND CHANGES IN SKULL AND MANDIBLE; Acroosteolysis dominant type. Identifiers: Orphanet 955, MedGen C0917715, MONDO:0007057, OMIM 102500.

Allele frequency attached by ClinVar (database versions not stated): TOPMed 0.00002.
gnomAD v4.1: 49 of 1,614,008 alleles (0.003%); highest among the groups gnomAD compares: Non-Finnish European, 0.0036%; no homozygotes.

Submissions (3):

PreventionGenetics, part of Exact Sciences
Classification: Uncertain significance for NOTCH2-related condition. Last evaluated: 2026-08-11. Review status: criteria provided, single submitter. Criteria: ACMG Guidelines, 2015. Collection method: clinical testing. Allele origin: germline.
Comment: The NOTCH2 c.6139C>G variant is predicted to result in the amino acid substitution p.Arg2047Gly. To our knowledge, this variant has not been reported in the literature. This variant is reported in 0.012% of alleles in individuals of European (Finnish) descent in gnomAD. At this time, the clinical significance of this variant is uncertain due to the absence of conclusive functional and genetic evidence.

Labcorp Genetics (formerly Invitae), Labcorp
Classification: Uncertain significance for Hajdu-Cheney syndrome. Last evaluated: 2025-03-13. Review status: criteria provided, single submitter. Criteria: Invitae Variant Classification Sherloc (09022015). Collection method: clinical testing. Allele origin: germline.
Comment: This sequence change replaces arginine, which is basic and polar, with glycine, which is neutral and non-polar, at codon 2047 of the NOTCH2 protein (p.Arg2047Gly). This variant is present in population databases (rs140353589, gnomAD 0.01%). This variant has not been reported in the literature in individuals affected with NOTCH2-related conditions. ClinVar contains an entry for this variant (Variation ID: 593421). Invitae Evidence Modeling of protein sequence and biophysical properties (such as structural, functional, and spatial information, amino acid conservation, physicochemical variation, residue mobility, and thermodynamic stability) has been performed for this missense variant. However, the output from this modeling did not meet the statistical confidence thresholds required to predict the impact of this variant on NOTCH2 protein function. In summary, the available evidence is currently insufficient to determine the role of this variant in disease. Therefore, it has been classified as a Variant of Uncertain Significance.

Eurofins Ntd Llc (ga)
Classification: Uncertain significance. Last evaluated: 2017-07-24. Review status: criteria provided, single submitter. Criteria: EGL Classification Definitions 2015. Collection method: clinical testing. Allele origin: germline. Observed: 1 variant allele, 1 heterozygote.

NM_024408.4(NOTCH2):c.6139C>G (p.Arg2047Gly)

Gene: NOTCH2 (notch receptor 2; minus strand). Cytogenetic location: 1p12.
Variant type: single nucleotide variant.
Coding change: c.6139C>G on transcript NM_024408.4 (MANE Select); coding-DNA position 6139, C replaced by G.
Protein change: p.Arg2047Gly; replaces arginine 2047 with glycine.
Molecular consequence: missense variant.
Genome position (GRCh38, 1-based): chr1:119,916,583, G>C on the plus strand (C>G on the coding strand, the complement: NOTCH2 is on the minus strand). VCF-style: chr1-119916583-G-C. GRCh37 (hg19) VCF-style: chr1-120459206-G-C.
Other names: c.6139C>G (NM_024408.3); short protein forms R2047G.
Identifiers: ClinVar variation 593421 (VCV000593421.14), dbSNP rs140353589, ClinGen allele CA1039483.